The following is an entry in ClinVar:

ClinVar aggregate classification (germline): Uncertain significance (1 of 4 stars; one submission).

Conditions:
Autosomal dominant limb-girdle muscular dystrophy type 1F (LGMDD2). Also called: Limb-girdle muscular dystrophy, type 1F; MUSCULAR DYSTROPHY, LIMB-GIRDLE, AUTOSOMAL DOMINANT 2. Identifiers: Orphanet 55595, MedGen C1842062, MONDO:0012034, OMIM 608423.

Allele frequency attached by ClinVar (database versions not stated): TOPMed below 0.00001; ExAC 0.00001; gnomAD exomes 0.00001.
gnomAD v4.1: 8 of 1,589,950 alleles (0.0005%); highest among the groups gnomAD compares: Non-Finnish European, 0.00068%; no homozygotes.

Submission:

Labcorp Genetics (formerly Invitae), Labcorp
Classification: Uncertain significance for Autosomal dominant limb-girdle muscular dystrophy type 1F. Last evaluated: 2022-08-16. Review status: criteria provided, single submitter. Criteria: Invitae Variant Classification Sherloc (09022015). Collection method: clinical testing. Allele origin: germline.
Comment: This sequence change affects a donor splice site in intron 10 of the TNPO3 gene. It is expected to disrupt RNA splicing. Variants that disrupt the donor or acceptor splice site typically lead to a loss of protein function (PMID: 16199547), however the current clinical and genetic evidence is not sufficient to establish whether loss-of-function variants in TNPO3 cause disease. Algorithms developed to predict the effect of sequence changes on RNA splicing suggest that this variant may disrupt the consensus splice site. ClinVar contains an entry for this variant (Variation ID: 575950). In summary, the available evidence is currently insufficient to determine the role of this variant in disease. Therefore, it has been classified as a Variant of Uncertain Significance. This variant has not been reported in the literature in individuals affected with TNPO3-related conditions. The frequency data for this variant in the population databases is considered unreliable, as metrics indicate poor data quality at this position in the gnomAD database.

Literature cited by the submitters: PubMed 16199547.

NM_012470.4(TNPO3):c.1358+1G>A

Gene: TNPO3 (transportin 3; minus strand). Cytogenetic location: 7q32.1.
Variant type: single nucleotide variant.
Coding change: c.1358+1G>A on transcript NM_012470.4 (MANE Select); the canonical splice donor site of the intron after coding-DNA position 1358, G replaced by A.
Molecular consequence: splice donor variant.
Genome position (GRCh38, 1-based): chr7:128,991,998, C>T on the plus strand (G>A on the coding strand, the complement: TNPO3 is on the minus strand). VCF-style: chr7-128991998-C-T. GRCh37 (hg19) VCF-style: chr7-128632052-C-T.
Other names: c.1214+1G>A (NM_001382221.1); c.1211+1G>A (NM_001382222.1); c.1250+1G>A (NM_001382219.1); c.1358+1G>A (NM_001382223.1, NM_001191028.3, NM_001382220.1 and 2 more transcripts); c.1439+1G>A (NM_001382217.1).
Identifiers: ClinVar variation 575950 (VCV000575950.7), dbSNP rs769542368, ClinGen allele CA4478184.